The following is an entry in ClinVar:

NM_000360.4(TH):c.203dup (p.Glu69fs)

Gene: TH (tyrosine hydroxylase; minus strand). Cytogenetic location: 11p15.5.
Variant type: Duplication.
Coding change: c.203dup on transcript NM_000360.4 (MANE Select); coding-DNA position 203, one base duplicated (T; older notation c.203dupT).
Protein change: p.Glu69fs; shifts the reading frame from glutamic acid 69.
Molecular consequence: frameshift variant.
Genome position (GRCh38, 1-based): chr11:2,169,759, A duplicated on the plus strand (T on the coding strand, the reverse complement: TH is on the minus strand). VCF-style (leftmost placement, unchanged base first): chr11-2169758-C-CA. GRCh37 (hg19) VCF-style: chr11-2190988-C-CA.
Other names: c.296dup, p.Glu100fs (NM_199292.3); c.284dup, p.Glu96fs (NM_199293.3); short protein forms E100fs, E69fs, E96fs.
Identifiers: ClinVar variation 4062289 (VCV004062289.2).
Genomic context (GRCh38, chr11:2,169,758, plus strand): 5'-CGGGGAGAAGAGCAGGTTTAGCACGGCCTTCCCCTCCTTCTCCTCAAAGGCCACAGCCTC[C>CA]AGGGGGTCCCCGGGCTCCGAGGGGACTGCAGCGGCCGCTGCTGCCACCGCCGCCTCCCGC-3'

ClinVar aggregate classification (germline): Likely pathogenic (1 of 4 stars; one submission).

Conditions:
TH-deficient dopa-responsive dystonia. Also called: DYT-TH; Tyrosine Hydroxylase-Deficient Dopa-Responsive Dystonia; Segawa syndrome, autosomal recessive. Identifiers: Orphanet 101150, MedGen C2673535, MONDO:0011551, OMIM 605407.

Submission:

Natera, Inc.
Classification: Likely pathogenic for Autosomal recessive Segawa syndrome. Last evaluated: 2025-05-30. Review status: criteria provided, single submitter. Criteria: Natera Variant Classification Schema (03/2026). Collection method: clinical testing. Allele origin: germline.
Comment: The c.296dup variant in TH is a frameshift variant predicted to shift the reading frame beginning at codon 100 and leads to a stop codon 6 codons downstream. This variant is expected to result in nonsense mediated decay, truncation, or a dysfunctional protein product. This variant is rare in the general population with a frequency below the threshold expected for the associated phenotype(s). Given the available evidence, this variant is classified as Likely Pathogenic.